The following is an entry in ClinVar:

NM_012448.4(STAT5B):c.805G>A (p.Glu269Lys)

Gene: STAT5B (signal transducer and activator of transcription 5B; minus strand). Cytogenetic location: 17q21.2.
Variant type: single nucleotide variant.
Coding change: c.805G>A on transcript NM_012448.4 (MANE Select); coding-DNA position 805, G replaced by A.
Protein change: p.Glu269Lys; replaces glutamic acid 269 with lysine.
Molecular consequence: missense variant.
Genome position (GRCh38, 1-based): chr17:42,219,340, C>T on the plus strand (G>A on the coding strand, the complement: STAT5B is on the minus strand). VCF-style: chr17-42219340-C-T. GRCh37 (hg19) VCF-style: chr17-40371358-C-T.
Other names: short protein forms E269K.
Identifiers: ClinVar variation 2585113 (VCV002585113.2), dbSNP rs1325539768, ClinGen allele CA399587384.

ClinVar aggregate classification (germline): Uncertain significance. Review status: criteria provided, multiple submitters, no conflicts (2 of 4 stars). 2 submissions from 2 submitters: Uncertain significance (2). Last evaluated 2025-08-28.

Conditions:
Growth hormone insensitivity syndrome with immune dysregulation 2, autosomal dominant. Identifiers: MedGen C5436546, MONDO:0100219, OMIM 618985.
Inborn genetic diseases. Identifiers: MedGen C0950123, MeSH D030342.

Allele frequency attached by ClinVar (database versions not stated): gnomAD exomes below 0.00001; TOPMed below 0.00001.
gnomAD v4.1: 3 of 1,461,094 alleles (0.00021%); highest among the groups gnomAD compares: Non-Finnish European, 0.00027%; no homozygotes.

Submissions (2):

Ambry Genetics
Classification: Uncertain significance for Inborn genetic diseases. Last evaluated: 2025-08-28. Review status: criteria provided, single submitter. Criteria: Ambry Variant Classification Scheme 2023. Collection method: clinical testing. Allele origin: germline.

Neuberg Centre For Genomic Medicine, NCGM
Classification: Uncertain significance for Growth hormone insensitivity syndrome with immune dysregulation 2, autosomal dominant. Review status: criteria provided, single submitter. Criteria: ACMG Guidelines, 2015. Collection method: clinical testing. Allele origin: germline. Inheritance: Autosomal dominant inheritance. Affected: yes.
Comment: The missense c.805G>A (p.Glu269Lys) variant in STAT5B gene has not been reported previously as a pathogenic variant nor as a benign variant, to our knowledge. The variant is novel (not in any individuals) in gnomAD Exomes and 1000 Genomes. The amino acid Glu at position 269 is changed to a Lys changing protein sequence and it might alter its composition and physico-chemical properties. The amino acid change p.Glu269Lys in STAT5B is predicted as conserved by GERP++ and PhyloP across 100 vertebrates. For these reasons, this variant has been classified as Uncertain Significance.